The following is an entry in ClinVar:

ClinVar aggregate classification (germline): Uncertain significance (1 of 4 stars; one submission).

Submission:

GeneDx
Classification: Uncertain significance. Last evaluated: 2019-10-07. Review status: criteria provided, single submitter. Criteria: GeneDx Variant Classification Process June 2021. Collection method: clinical testing. Allele origin: germline. Affected: yes.
Comment: Not observed in large population cohorts (Lek et al., 2016); In silico analysis, which includes protein predictors and evolutionary conservation, supports a deleterious effect; Has not been previously published as pathogenic or benign to our knowledge

NM_001098511.3(KIF2A):c.1409C>T (p.Ala470Val)

Gene: KIF2A (kinesin family member 2A; plus strand). Cytogenetic location: 5q12.1.
Variant type: single nucleotide variant.
Coding change: c.1409C>T on transcript NM_001098511.3 (MANE Select); coding-DNA position 1409, C replaced by T.
Protein change: p.Ala470Val; replaces alanine 470 with valine.
Molecular consequence: missense variant.
Genome position (GRCh38, 1-based): chr5:62,363,841, C>T. VCF-style: chr5-62363841-C-T. GRCh37 (hg19) VCF-style: chr5-61659668-C-T.
Other names: c.1328C>T, p.Ala443Val (NM_001243952.2); c.1352C>T, p.Ala451Val (NM_001243953.2); c.1409C>T, p.Ala470Val (NM_004520.5); short protein forms A443V, A451V, A470V.
Identifiers: ClinVar variation 1308959 (VCV001308959.2), dbSNP rs2111960708, ClinGen allele CA359951531.